The following is an entry in ClinVar:

ClinVar aggregate classification (germline): Uncertain significance (1 of 4 stars; one submission).

Conditions:
Costello syndrome (CSTLO). Also called: HRAS-Related Costello Syndrome; FACIOCUTANEOSKELETAL SYNDROME; FCS SYNDROME. Identifiers: Orphanet 3071, MedGen C0587248, MONDO:0009026, OMIM 218040.

Allele frequency attached by ClinVar (database versions not stated): gnomAD 0.00001.
gnomAD v4.1: 1 of 1,613,680 alleles (0.000062%); highest among the groups gnomAD compares: Non-Finnish European, 0.000085%; no homozygotes.

Submission:

Labcorp Genetics (formerly Invitae), Labcorp
Classification: Uncertain significance for Costello syndrome. Last evaluated: 2023-11-27. Review status: criteria provided, single submitter. Criteria: Invitae Variant Classification Sherloc (09022015). Collection method: clinical testing. Allele origin: germline.
Comment: This sequence change replaces arginine, which is basic and polar, with proline, which is neutral and non-polar, at codon 128 of the HRAS protein (p.Arg128Pro). This variant is not present in population databases (gnomAD no frequency). This variant has not been reported in the literature in individuals affected with HRAS-related conditions. ClinVar contains an entry for this variant (Variation ID: 531192). Advanced modeling performed at Invitae incorporating data from internal and/or published experimental studies (Invitae) indicates that this missense variant is not expected to disrupt HRAS function with a negative predictive value of 95%. In summary, the available evidence is currently insufficient to determine the role of this variant in disease. Therefore, it has been classified as a Variant of Uncertain Significance.

NM_005343.4(HRAS):c.383G>C (p.Arg128Pro)

Genes: HRAS (HRas proto-oncogene, GTPase; minus strand), LRRC56 (leucine rich repeat containing 56; plus strand). Cytogenetic location: 11p15.5.
Variant type: single nucleotide variant.
Coding change: c.383G>C on transcript NM_005343.4 (MANE Select); coding-DNA position 383, G replaced by C.
Protein change: p.Arg128Pro; replaces arginine 128 with proline.
Molecular consequence: missense variant.
Genome position (GRCh38, 1-based): chr11:533,520, C>G on the plus strand (G>C on the coding strand, the complement: HRAS is on the minus strand). VCF-style: chr11-533520-C-G. GRCh37 (hg19) VCF-style: chr11-533520-C-G.
Other names: c.383G>C, p.Arg128Pro (NM_001130442.3, NM_176795.5); c.64G>C, p.Gly22Arg (NM_001318054.2); short protein forms R128P, G22R.
Identifiers: ClinVar variation 531192 (VCV000531192.9), dbSNP rs1554884794, ClinGen allele CA378923056.